The following is an entry in ClinVar:

NM_001039141.3(TRIOBP):c.2366A>T (p.Asp789Val)

Gene: TRIOBP (TRIO and F-actin binding protein; plus strand). Cytogenetic location: 22q13.1.
Variant type: single nucleotide variant.
Coding change: c.2366A>T on transcript NM_001039141.3 (MANE Select); coding-DNA position 2366, A replaced by T.
Protein change: p.Asp789Val; replaces aspartic acid 789 with valine.
Molecular consequence: missense variant.
Genome position (GRCh38, 1-based): chr22:37,724,922, A>T. VCF-style: chr22-37724922-A-T. GRCh37 (hg19) VCF-style: chr22-38120929-A-T.
Other names: short protein forms D789V.
Identifiers: ClinVar variation 4990187 (VCV004990187.1).
Genomic context (GRCh38, chr22:37,724,922, plus strand): 5'-GAACATCCTGTACCCGACAGGACAATCCCAGGACCTCCTCTCCCAATAGAGCCACACGAG[A>T]CAACCCCAGAACATCCTGTGCCCAGCGGGACAATCTCAGAGCCTCCTCTCCCATCAGAGC-3'
Protein context (NP_001034230.1, residues 779-799): RTSSPNRATR[Asp789Val]NPRTSCAQRD

ClinVar aggregate classification (germline): Uncertain significance (1 of 4 stars; one submission).

Conditions:
TRIOBP-related disorder. Also called: TRIOBP-related condition.

Submission:

PreventionGenetics, part of Exact Sciences
Classification: Uncertain significance for TRIOBP-related condition. Last evaluated: 2025-12-26. Review status: criteria provided, single submitter. Criteria: ACMG Guidelines, 2015. Collection method: clinical testing. Allele origin: germline.
Comment: The TRIOBP c.2366A>T variant is predicted to result in the amino acid substitution p.Asp789Val. To our knowledge, this variant has not been reported in the literature. This variant is reported in 0.026% of alleles in individuals of South Asian descent in gnomAD. At this time, the clinical significance of this variant is uncertain due to the absence of conclusive functional and genetic evidence.